The following is an entry in ClinVar:

NM_022455.5(NSD1):c.2176T>C (p.Ser726Pro)

Gene: NSD1 (nuclear receptor binding SET domain protein 1; plus strand). Cytogenetic location: 5q35.3.
Variant type: single nucleotide variant.
Coding change: c.2176T>C on transcript NM_022455.5 (MANE Select); coding-DNA position 2176, T replaced by C.
Protein change: p.Ser726Pro; replaces serine 726 with proline.
Molecular consequence: missense variant.
Genome position (GRCh38, 1-based): chr5:177,210,575, T>C. VCF-style: chr5-177210575-T-C. GRCh37 (hg19) VCF-style: chr5-176637576-T-C.
Other names: c.1303T>C, p.Ser435Pro (NM_172349.5, NM_001365684.2, NM_001409306.1 and 3 more transcripts); c.2176T>C, p.Ser726Pro (NM_001409301.1, NM_001409302.1, NM_001409303.1); c.1756T>C, p.Ser586Pro (NM_001409304.1); c.1423T>C, p.Ser475Pro (NM_001409305.1); short protein forms S457P, S435P, S475P, S586P.
Identifiers: ClinVar variation 96043 (VCV000096043.31), dbSNP rs28932178, ClinGen allele CA149187.

ClinVar aggregate classification (germline): Benign. Review status: criteria provided, multiple submitters, no conflicts (2 of 4 stars). 11 submissions from 11 submitters: Benign (8). 3 of the submissions do not count toward it. Last evaluated 2026-02-04.

Conditions:
Sotos syndrome (SOTOS). Also called: Distinctive facial appearance, overgrowth in childhood, and learning disabilities or delayed development; SOTOS SYNDROME 1; Sotos' syndrome; CEREBRAL GIGANTISM; CHROMOSOME 5q35 DELETION SYNDROME. Identifiers: Orphanet 821, MedGen C0175695, MONDO:0019349, OMIM 117550.
Inborn genetic diseases. Identifiers: MedGen C0950123, MeSH D030342.

Allele frequency attached by ClinVar (database versions not stated): TOPMed 0.15335; ESP Exome Variant Server 0.12633; gnomAD 0.15259 and 0.16176; gnomAD exomes 0.16450 and 0.20238; 1000 Genomes Project 0.24960; 1000 Genomes Project 30x 0.24141; ExAC 0.19869.
gnomAD v4.1: 265,425 of 1,613,816 alleles (16%); highest among the groups gnomAD compares: East Asian, 50%; 26,158 homozygotes.

Submissions (11):

Labcorp Genetics (formerly Invitae), Labcorp
Classification: Benign. Last evaluated: 2026-02-04. Review status: criteria provided, single submitter. Criteria: Invitae Variant Classification Sherloc (09022015). Collection method: clinical testing. Allele origin: germline.

Blueprint Genetics
Classification: Benign. Last evaluated: 2024-11-26. Review status: criteria provided, single submitter. Criteria: ACMG Guidelines, 2015. Collection method: clinical testing. Allele origin: germline.

Genome-Nilou Lab
Classification: Benign for Sotos syndrome. Last evaluated: 2021-07-15. Review status: criteria provided, single submitter. Criteria: ACMG Guidelines, 2015. Collection method: clinical testing. Allele origin: germline. Affected: no.

Ambry Genetics
Classification: Benign for Inborn genetic diseases. Last evaluated: 2016-03-19. Review status: criteria provided, single submitter. Criteria: Ambry Variant Classification Scheme 2023. Collection method: clinical testing. Allele origin: germline.

GeneDx
Classification: Benign. Last evaluated: 2015-03-03. Review status: criteria provided, single submitter. Criteria: GeneDx Variant Classification Process June 2021. Collection method: clinical testing. Allele origin: germline. Affected: yes.
Comment: This variant is associated with the following publications: (PMID: 29083408)

Eurofins Ntd Llc (ga)
Classification: Benign. Last evaluated: 2013-06-10. Review status: criteria provided, single submitter. Criteria: EGL Classification Definitions 2015. Collection method: clinical testing. Allele origin: germline. Observed: 28 variant alleles, 24 heterozygotes, 4 homozygotes.

Genetic Services Laboratory, University of Chicago
Classification: Benign. Last evaluated: 2013-02-08. Review status: criteria provided, single submitter. Criteria: ACMG Guidelines, 2007. Collection method: clinical testing. Allele origin: germline. Inheritance: Autosomal dominant inheritance.

PreventionGenetics, part of Exact Sciences
Classification: Benign. Review status: criteria provided, single submitter. Criteria: ACMG Guidelines, 2015. Collection method: clinical testing. Allele origin: germline.

Clinical Genetics DNA and cytogenetics Diagnostics Lab, Erasmus MC, Erasmus Medical Center
Classification: Benign. Review status: no assertion criteria provided. Collection method: clinical testing. Allele origin: germline. Affected: yes. Study: VKGL Data-share Consensus. Not counted in ClinVar's aggregate classification.

Diagnostic Laboratory, Department of Genetics, University Medical Center Groningen
Classification: Benign. Review status: no assertion criteria provided. Collection method: clinical testing. Allele origin: germline. Affected: yes. Study: VKGL Data-share Consensus. Not counted in ClinVar's aggregate classification.

Joint Genome Diagnostic Labs from Nijmegen and Maastricht, Radboudumc and MUMC+
Classification: Benign. Review status: no assertion criteria provided. Collection method: clinical testing. Allele origin: germline. Affected: yes. Study: VKGL Data-share Consensus. Not counted in ClinVar's aggregate classification.